The following is an entry in ClinVar:

ClinVar aggregate classification (germline): Uncertain significance (1 of 4 stars; one submission).

Allele frequency attached by ClinVar (database versions not stated): gnomAD 0.00001; gnomAD exomes 0.00001.

Submission:

Labcorp Genetics (formerly Invitae), Labcorp
Classification: Uncertain significance. Last evaluated: 2023-12-11. Review status: criteria provided, single submitter. Criteria: Invitae Variant Classification Sherloc (09022015). Collection method: clinical testing. Allele origin: germline.
Comment: This sequence change replaces threonine, which is neutral and polar, with methionine, which is neutral and non-polar, at codon 201 of the CFAP298 protein (p.Thr201Met). This variant is not present in population databases (gnomAD no frequency). This variant has not been reported in the literature in individuals affected with CFAP298-related conditions. ClinVar contains an entry for this variant (Variation ID: 2420540). An algorithm developed to predict the effect of missense changes on protein structure and function (PolyPhen-2) suggests that this variant¬†is likely to be tolerated. In summary, the available evidence is currently insufficient to determine the role of this variant in disease. Therefore, it has been classified as a Variant of Uncertain Significance.

NM_021254.4(CFAP298):c.602C>T (p.Thr201Met)

Genes: CFAP298 (cilia and flagella associated protein 298; minus strand), CFAP298-TCP10L (CFAP298-TCP10L readthrough; minus strand). Cytogenetic location: 21q22.11.
Variant type: single nucleotide variant.
Coding change: c.602C>T on transcript NM_021254.4 (MANE Select); coding-DNA position 602, C replaced by T.
Protein change: p.Thr201Met; replaces threonine 201 with methionine.
Molecular consequence: missense variant. On other transcripts: non-coding transcript variant (2).
Genome position (GRCh38, 1-based): chr21:32,603,225, G>A on the plus strand (C>T on the coding strand, the complement: CFAP298 is on the minus strand). VCF-style: chr21-32603225-G-A. GRCh37 (hg19) VCF-style: chr21-33975535-G-A.
Other names: c.602C>T, p.Thr201Met (NM_001350338.2, NM_001350335.2, NM_001350336.2 and 1 more transcripts); c.305C>T, p.Thr102Met (NM_001350334.2); short protein forms T102M, T201M.
Identifiers: ClinVar variation 2420540 (VCV002420540.4), dbSNP rs1457713494, ClinGen allele CA410073484.